The following is an entry in ClinVar:

ClinVar aggregate classification (germline): Pathogenic/Likely pathogenic. Review status: criteria provided, multiple submitters, no conflicts (2 of 4 stars). 2 submissions from 2 submitters: Pathogenic (1); Likely pathogenic (1). Last evaluated 2022-04-01.

Conditions:
Developmental and epileptic encephalopathy. Identifiers: MedGen C5779964, MONDO:0100620.

Submissions (2):

GeneDx
Classification: Pathogenic. Last evaluated: 2022-04-01. Review status: criteria provided, single submitter. Criteria: GeneDx Variant Classification Process June 2021. Collection method: clinical testing. Allele origin: germline. Affected: yes.
Comment: Not observed in large population cohorts (gnomAD); Missense variants in this gene are often considered pathogenic (HGMD); In silico analysis supports that this missense variant has a deleterious effect on protein structure/function; Has not been previously published as pathogenic or benign to our knowledge

Labcorp Genetics (formerly Invitae), Labcorp
Classification: Likely pathogenic for Early-infantile DEE. Last evaluated: 2021-08-27. Review status: criteria provided, single submitter. Criteria: Invitae Variant Classification Sherloc (09022015). Collection method: clinical testing. Allele origin: germline.

NM_001330260.2(SCN8A):c.4880T>A (p.Ile1627Asn)

Gene: SCN8A (sodium voltage-gated channel alpha subunit 8; plus strand). Cytogenetic location: 12q13.13.
Variant type: single nucleotide variant.
Coding change: c.4880T>A on transcript NM_001330260.2 (MANE Select); coding-DNA position 4880, T replaced by A.
Protein change: p.Ile1627Asn; replaces isoleucine 1627 with asparagine.
Molecular consequence: missense variant.
Genome position (GRCh38, 1-based): chr12:51,806,366, T>A. VCF-style: chr12-51806366-T-A. GRCh37 (hg19) VCF-style: chr12-52200150-T-A.
Other names: c.4757T>A, p.Ile1586Asn (NM_001177984.3, NM_001369788.1); c.4880T>A, p.Ile1627Asn (NM_014191.4); short protein forms I1586N, I1627N.
Identifiers: ClinVar variation 964412 (VCV000964412.8), dbSNP rs1938702028, ClinGen allele CA384880429.